The following is an entry in ClinVar:

NM_000059.4(BRCA2):c.478G>T (p.Val160Leu)

Gene: BRCA2 (BRCA2 DNA repair associated; plus strand). Cytogenetic location: 13q13.1.
Variant type: single nucleotide variant.
Coding change: c.478G>T on transcript NM_000059.4 (MANE Select); coding-DNA position 478, G replaced by T.
Protein change: p.Val160Leu; replaces valine 160 with leucine.
Molecular consequence: missense variant. On other transcripts: non-coding transcript variant (1).
Genome position (GRCh38, 1-based): chr13:32,326,244, G>T. VCF-style: chr13-32326244-G-T. GRCh37 (hg19) VCF-style: chr13-32900381-G-T.
Other names: c.478G>T, p.Val160Leu (NM_001406719.1, NM_001406720.1, NM_001406721.1 and 1 more transcripts); c.109G>T, p.Val37Leu (NM_001406722.1); short protein forms V160L, V37L.
Identifiers: ClinVar variation 4215276 (VCV004215276.1).
Genomic context (GRCh38, chr13:32,326,244, plus strand): 5'-ATACTAGAAATGTTAATAAAAATAAAACTTAACAATTTTCCCCTTTTTTTACCCCCAGTG[G>T]TATGTGGGAGTTTGTTTCATACACCAAAGTTTGTGAAGGTAAATATTCTACCTGGTTTAT-3'
Protein context (NP_000050.3, residues 150-170): HVTPQRDKSV[Val160Leu]CGSLFHTPKF

ClinVar aggregate classification (germline): Uncertain significance (1 of 4 stars; one submission).

Conditions:
Hereditary cancer-predisposing syndrome. Also called: Neoplastic Syndromes, Hereditary; Tumor predisposition; Hereditary Cancer Syndrome; Hereditary neoplastic syndrome. Identifiers: Orphanet 140162, MedGen C0027672, MeSH D009386, MONDO:0015356.

Submission:

Ambry Genetics
Classification: Uncertain significance for Hereditary cancer-predisposing syndrome. Last evaluated: 2025-07-09. Review status: criteria provided, single submitter. Criteria: Ambry Variant Classification Scheme 2023. Collection method: clinical testing. Allele origin: germline.
Comment: The p.V160L variant (also known as c.478G>T), located in coding exon 5 of the BRCA2 gene, results from a G to T substitution at nucleotide position 478. The valine at codon 160 is replaced by leucine, an amino acid with highly similar properties. This amino acid position is not well conserved in available vertebrate species. In addition, this alteration is predicted to be tolerated by in silico analysis. Based on the available evidence, the clinical significance of this variant remains unclear.